The following is an entry in ClinVar:

NM_025009.5(CEP135):c.1481A>G (p.Tyr494Cys)

Gene: CEP135 (centrosomal protein 135; plus strand). Cytogenetic location: 4q12.
Variant type: single nucleotide variant.
Coding change: c.1481A>G on transcript NM_025009.5 (MANE Select); coding-DNA position 1481, A replaced by G.
Protein change: p.Tyr494Cys; replaces tyrosine 494 with cysteine.
Molecular consequence: missense variant.
Genome position (GRCh38, 1-based): chr4:55,980,150, A>G. VCF-style: chr4-55980150-A-G. GRCh37 (hg19) VCF-style: chr4-56846316-A-G.
Other names: c.1481A>G (NM_025009.3); short protein forms Y494C.
Identifiers: ClinVar variation 1929316 (VCV001929316.4), dbSNP rs565624109, ClinGen allele CA2927887.

ClinVar aggregate classification (germline): Uncertain significance. Review status: criteria provided, multiple submitters, no conflicts (2 of 4 stars). 2 submissions from 2 submitters: Uncertain significance (2). Last evaluated 2025-02-08.

Conditions:
Inborn genetic diseases. Identifiers: MedGen C0950123, MeSH D030342.

Allele frequency attached by ClinVar (database versions not stated): gnomAD exomes below 0.00001; ExAC 0.00001; gnomAD 0.00001; TOPMed 0.00001; 1000 Genomes Project 30x 0.00016; 1000 Genomes Project 0.00020.
gnomAD v4.1: 5 of 1,608,800 alleles (0.00031%); highest among the groups gnomAD compares: African/African-American, 0.0067%; no homozygotes.

Submissions (2):

Ambry Genetics
Classification: Uncertain significance for Inborn genetic diseases. Last evaluated: 2025-02-08. Review status: criteria provided, single submitter. Criteria: Ambry Variant Classification Scheme 2023. Collection method: clinical testing. Allele origin: germline.

Labcorp Genetics (formerly Invitae), Labcorp
Classification: Uncertain significance. Last evaluated: 2022-08-19. Review status: criteria provided, single submitter. Criteria: Invitae Variant Classification Sherloc (09022015). Collection method: clinical testing. Allele origin: germline.
Comment: In summary, the available evidence is currently insufficient to determine the role of this variant in disease. Therefore, it has been classified as a Variant of Uncertain Significance. Algorithms developed to predict the effect of missense changes on protein structure and function output the following: SIFT: "Tolerated"; PolyPhen-2: "Benign"; Align-GVGD: "Class C0". The cysteine amino acid residue is found in multiple mammalian species, which suggests that this missense change does not adversely affect protein function. This variant has not been reported in the literature in individuals affected with CEP135-related conditions. This variant is present in population databases (rs565624109, gnomAD 0.007%). This sequence change replaces tyrosine, which is neutral and polar, with cysteine, which is neutral and slightly polar, at codon 494 of the CEP135 protein (p.Tyr494Cys).